The following is an entry in ClinVar:

NM_021096.4(CACNA1I):c.6531C>A (p.Ser2177Arg)

Gene: CACNA1I (calcium voltage-gated channel subunit alpha1 I; plus strand). Cytogenetic location: 22q13.1.
Variant type: single nucleotide variant.
Coding change: c.6531C>A on transcript NM_021096.4 (MANE Select); coding-DNA position 6531, C replaced by A.
Protein change: p.Ser2177Arg; replaces serine 2177 with arginine.
Molecular consequence: missense variant.
Genome position (GRCh38, 1-based): chr22:39,686,264, C>A. VCF-style: chr22-39686264-C-A. GRCh37 (hg19) VCF-style: chr22-40082269-C-A.
Other names: c.6426C>A, p.Ser2142Arg (NM_001003406.2); short protein forms S2142R, S2177R.
Identifiers: ClinVar variation 3902039 (VCV003902039.1).

ClinVar aggregate classification (germline): Uncertain significance (1 of 4 stars; one submission).

Conditions:
Neurodevelopmental disorder with speech impairment and with or without seizures. Also called: Neurodevelopmental disorder with variable intellectual disability and speech impairment, with or without seizures. Identifiers: MedGen C5774252, MONDO:0859313, OMIM 620114.

Submission:

Laboratorio de Genetica e Diagnostico Molecular, Hospital Israelita Albert Einstein
Classification: Uncertain significance for Neurodevelopmental disorder with speech impairment and with or without seizures. Last evaluated: 2023-09-28. Review status: criteria provided, single submitter. Criteria: ACMG Guidelines, 2015. Collection method: clinical testing. Allele origin: germline. Affected: yes.
Comment: ACMG classification criteria: PM2 moderate, BP4 supporting